The following is an entry in ClinVar:

ClinVar aggregate classification (germline): Uncertain significance (1 of 4 stars; one submission).

Submission:

Women's Health and Genetics/Laboratory Corporation of America, LabCorp
Classification: Uncertain significance. Last evaluated: 2025-06-26. Review status: criteria provided, single submitter. Criteria: LabCorp Variant Classification Summary - May 2015. Collection method: clinical testing. Allele origin: germline.
Comment: Variant summary: CASR c.1985T>C (p.Phe662Ser) results in a non-conservative amino acid change in the encoded protein sequence. Algorithms developed to predict the effect of missense changes on protein structure and function all suggest that this variant is likely to be disruptive. The variant was absent in 251112 control chromosomes (gnomAD). The available data on variant occurrences in the general population are insufficient to allow any conclusion about variant significance. To our knowledge, no occurrence of c.1985T>C in individuals affected with Autosomal Dominant Hypocalcemia and no experimental evidence demonstrating its impact on protein function have been reported. No submitters have cited clinical-significance assessments for this variant to ClinVar. Based on the evidence outlined above, the variant was classified as uncertain significance.

NM_000388.4(CASR):c.1985T>C (p.Phe662Ser)

Gene: CASR (calcium sensing receptor; plus strand). Cytogenetic location: 3q21.1.
Variant type: single nucleotide variant.
Coding change: c.1985T>C on transcript NM_000388.4 (MANE Select); coding-DNA position 1985, T replaced by C.
Protein change: p.Phe662Ser; replaces phenylalanine 662 with serine.
Molecular consequence: missense variant.
Genome position (GRCh38, 1-based): chr3:122,283,939, T>C. VCF-style: chr3-122283939-T-C. GRCh37 (hg19) VCF-style: chr3-122002786-T-C.
Other names: c.2015T>C, p.Phe672Ser (NM_001178065.2); short protein forms F662S, F672S.
Identifiers: ClinVar variation 3907520 (VCV003907520.1).